The following is an entry in ClinVar:

NM_001286445.3(RIPOR2):c.2822C>T (p.Thr941Met)

Gene: RIPOR2 (RHO family interacting cell polarization regulator 2; minus strand). Cytogenetic location: 6p22.3.
Variant type: single nucleotide variant.
Coding change: c.2822C>T on transcript NM_001286445.3 (MANE Select); coding-DNA position 2822, C replaced by T.
Protein change: p.Thr941Met; replaces threonine 941 with methionine.
Molecular consequence: missense variant.
Genome position (GRCh38, 1-based): chr6:24,825,272, G>A on the plus strand (C>T on the coding strand, the complement: RIPOR2 is on the minus strand). VCF-style: chr6-24825272-G-A. GRCh37 (hg19) VCF-style: chr6-24825500-G-A.
Other names: c.2885C>T (NM_014722.2); c.2735C>T, p.Thr912Met (NM_001346031.2, NM_001346032.2); c.2885C>T, p.Thr962Met (NM_014722.5); short protein forms T912M, T941M, T962M.
Identifiers: ClinVar variation 1680482 (VCV001680482.10), dbSNP rs762945910, ClinGen allele CA3659068.

ClinVar aggregate classification (germline): Uncertain significance. Review status: criteria provided, multiple submitters, no conflicts (2 of 4 stars). 2 submissions from 2 submitters: Uncertain significance (2). Last evaluated 2024-12-02.

Allele frequency attached by ClinVar (database versions not stated): gnomAD exomes 0.00001 and 0.00002; ExAC 0.00005; gnomAD 0.00007; TOPMed 0.00008.
gnomAD v4.1: 26 of 1,551,400 alleles (0.0017%); highest among the groups gnomAD compares: African/African-American, 0.019%; no homozygotes.

Submissions (2):

Ambry Genetics
Classification: Uncertain significance. Last evaluated: 2024-12-02. Review status: criteria provided, single submitter. Criteria: Ambry Variant Classification Scheme 2023. Collection method: clinical testing. Allele origin: germline.

Labcorp Genetics (formerly Invitae), Labcorp
Classification: Uncertain significance. Last evaluated: 2022-07-26. Review status: criteria provided, single submitter. Criteria: Invitae Variant Classification Sherloc (09022015). Collection method: clinical testing. Allele origin: germline.
Comment: This variant has not been reported in the literature in individuals affected with FAM65B-related conditions. In summary, the available evidence is currently insufficient to determine the role of this variant in disease. Therefore, it has been classified as a Variant of Uncertain Significance. Algorithms developed to predict the effect of missense changes on protein structure and function output the following: SIFT: "Tolerated"; PolyPhen-2: "Benign"; Align-GVGD: "Class C0". The methionine amino acid residue is found in multiple mammalian species, which suggests that this missense change does not adversely affect protein function. ClinVar contains an entry for this variant (Variation ID: 1680482). This variant is present in population databases (rs762945910, gnomAD 0.02%). This sequence change replaces threonine, which is neutral and polar, with methionine, which is neutral and non-polar, at codon 962 of the FAM65B protein (p.Thr962Met).